The following is an entry in ClinVar:

NM_005157.6(ABL1):c.1447C>T (p.Arg483Trp)

Gene: ABL1 (ABL proto-oncogene 1, non-receptor tyrosine kinase; plus strand). Cytogenetic location: 9q34.12.
Variant type: single nucleotide variant.
Coding change: c.1447C>T on transcript NM_005157.6 (MANE Select); coding-DNA position 1447, C replaced by T.
Protein change: p.Arg483Trp; replaces arginine 483 with tryptophan.
Molecular consequence: missense variant.
Genome position (GRCh38, 1-based): chr9:130,880,091, C>T. VCF-style: chr9-130880091-C-T. GRCh37 (hg19) VCF-style: chr9-133755478-C-T.
Other names: c.1504C>T, p.Arg502Trp (NM_007313.3); short protein forms R483W, R502W.
Identifiers: ClinVar variation 1318941 (VCV001318941.4), dbSNP rs1355584861, ClinGen allele CA375251578.

ClinVar aggregate classification (germline): Uncertain significance. Review status: criteria provided, multiple submitters, no conflicts (2 of 4 stars). 2 submissions from 2 submitters: Uncertain significance (2). Last evaluated 2026-09-28.

Allele frequency attached by ClinVar (database versions not stated): gnomAD 0.00001; TOPMed below 0.00001.
gnomAD v4.1: 1 of 1,614,052 alleles (0.000062%); highest among the groups gnomAD compares: Non-Finnish European, 0.000085%; no homozygotes.

Submissions (2):

GeneDx
Classification: Uncertain significance. Last evaluated: 2026-09-28. Review status: criteria provided, single submitter. Criteria: GeneDx Variant Classification Process June 2021. Collection method: clinical testing. Allele origin: germline.
Comment: Not observed at significant frequency in large population cohorts (gnomAD); In silico analysis supports that this missense variant has a deleterious effect on protein structure/function; Has not been previously published as pathogenic or benign to our knowledge

Blueprint Genetics
Classification: Uncertain significance. Last evaluated: 2024-04-29. Review status: criteria provided, single submitter. Criteria: ACMG Guidelines, 2015. Collection method: clinical testing. Allele origin: germline.